The following is an entry in ClinVar:

NM_005359.6(SMAD4):c.*412A>G

Gene: SMAD4 (SMAD family member 4; plus strand). Cytogenetic location: 18q21.2.
Variant type: single nucleotide variant.
Coding change: c.*412A>G on transcript NM_005359.6 (MANE Select); 412 bases downstream of the stop codon, A replaced by G.
Molecular consequence: 3 prime UTR variant.
Genome position (GRCh38, 1-based): chr18:51,078,879, A>G. VCF-style: chr18-51078879-A-G. GRCh37 (hg19) VCF-style: chr18-48605249-A-G.
Identifiers: ClinVar variation 327118 (VCV000327118.5), dbSNP rs28403611, ClinGen allele CA10650962.

ClinVar aggregate classification (germline): Benign. Review status: criteria provided, single submitter (1 of 4 stars). 3 submissions from 1 submitter: Benign (3). Last evaluated 2018-01-13.

Conditions:
Myhre syndrome (MYHRS). Also called: LARYNGOTRACHEAL STENOSIS, ARTHROPATHY, PROGNATHISM, AND SHORT STATURE; LAPS SYNDROME. Identifiers: Orphanet 2588, MedGen C0796081, MONDO:0007688, OMIM 139210.
Generalized juvenile polyposis/juvenile polyposis coli. Also called: Juvenile polyposis coli. Identifiers: Orphanet 329971, MedGen C1868081, MONDO:0008276.
Juvenile polyposis/hereditary hemorrhagic telangiectasia syndrome (JPHT). Also called: JP/HHT SYNDROME; JUVENILE POLYPOSIS WITH HEREDITARY HEMORRHAGIC TELANGIECTASIA; POLYPOSIS, GENERALIZED JUVENILE, WITH PULMONARY ARTERIOVENOUS MALFORMATION; TELANGIECTASIA, HEREDITARY HEMORRHAGIC, WITH JUVENILE POLYPOSIS COLI; Juvenile Polyposis Syndrome / Hereditary Hemorrhagic Telangiectasia (JPS/HHT). Identifiers: Orphanet 2929, MedGen C1832942, MONDO:0008278, OMIM 175050.

Allele frequency attached by ClinVar (database versions not stated): gnomAD 0.00036 and 0.00072; TOPMed 0.00063; 1000 Genomes Project 30x 0.00375; 1000 Genomes Project 0.00459; gnomAD exomes 0.00483.
gnomAD v4.1: 532 of 245,370 alleles (0.22%); highest among the groups gnomAD compares: East Asian, 3%; 14 homozygotes.

Submissions (3):

Illumina Laboratory Services, Illumina
Classification: Benign for Myhre syndrome. Last evaluated: 2018-01-13. Review status: criteria provided, single submitter. Criteria: ICSL Variant Classification Criteria 13 December 2019. Collection method: clinical testing. Allele origin: germline.
Comment: This variant was observed in the ICSL laboratory as part of a predisposition screen in an ostensibly healthy population. It had not been previously curated by ICSL or reported in the Human Gene Mutation Database (HGMD: prior to June 1st, 2018), and was therefore a candidate for classification through an automated scoring system. Utilizing variant allele frequency, disease prevalence and penetrance estimates, and inheritance mode, an automated score was calculated to assess if this variant is too frequent to cause the disease. Based on the score and internal cut-off values, a variant classified as benign is not then subjected to further curation. The score for this variant resulted in a classification of benign for this disease.

Illumina Laboratory Services, Illumina
Classification: Benign for Juvenile polyposis syndrome. Last evaluated: 2018-01-13. Review status: criteria provided, single submitter. Criteria: ICSL Variant Classification Criteria 13 December 2019. Collection method: clinical testing. Allele origin: germline.
Comment: the same text as in the submission from Illumina Laboratory Services, Illumina above.

Illumina Laboratory Services, Illumina
Classification: Benign for Juvenile polyposis/hereditary hemorrhagic telangiectasia syndrome. Last evaluated: 2018-01-13. Review status: criteria provided, single submitter. Criteria: ICSL Variant Classification Criteria 13 December 2019. Collection method: clinical testing. Allele origin: germline.
Comment: the same text as in the submission from Illumina Laboratory Services, Illumina above.